The following is an entry in ClinVar:

NM_000755.5(CRAT):c.1024G>A (p.Glu342Lys)

Gene: CRAT (carnitine O-acetyltransferase; minus strand). Cytogenetic location: 9q34.11.
Variant type: single nucleotide variant.
Coding change: c.1024G>A on transcript NM_000755.5 (MANE Select); coding-DNA position 1024, G replaced by A.
Protein change: p.Glu342Lys; replaces glutamic acid 342 with lysine.
Molecular consequence: missense variant.
Genome position (GRCh38, 1-based): chr9:129,099,927, C>T on the plus strand (G>A on the coding strand, the complement: CRAT is on the minus strand). VCF-style: chr9-129099927-C-T. GRCh37 (hg19) VCF-style: chr9-131862206-C-T.
Other names: c.961G>A, p.Glu321Lys (NM_001257363.3, NM_001346548.2, NM_004003.4); c.1027G>A, p.Glu343Lys (NM_001346546.2); c.1024G>A, p.Glu342Lys (NM_001346547.2); c.904G>A, p.Glu302Lys (NM_001346549.2); short protein forms E321K, E343K, E302K, E342K.
Identifiers: ClinVar variation 2976486 (VCV002976486.3), dbSNP rs752824004, ClinGen allele CA5275536.

ClinVar aggregate classification (germline): Uncertain significance (1 of 4 stars; one submission).

Allele frequency attached by ClinVar (database versions not stated): ExAC 0.00002; TOPMed 0.00002.
gnomAD v4.1: 11 of 1,613,346 alleles (0.00068%); highest among the groups gnomAD compares: African/African-American, 0.0067%; no homozygotes.

Submission:

Labcorp Genetics (formerly Invitae), Labcorp
Classification: Uncertain significance. Last evaluated: 2025-02-24. Review status: criteria provided, single submitter. Criteria: Invitae Variant Classification Sherloc (09022015). Collection method: clinical testing. Allele origin: germline.
Comment: This sequence change replaces glutamic acid, which is acidic and polar, with lysine, which is basic and polar, at codon 342 of the CRAT protein (p.Glu342Lys). This variant is present in population databases (rs752824004, gnomAD 0.02%). This variant has not been reported in the literature in individuals affected with CRAT-related conditions. ClinVar contains an entry for this variant (Variation ID: 2976486). Invitae Evidence Modeling of protein sequence and biophysical properties (such as structural, functional, and spatial information, amino acid conservation, physicochemical variation, residue mobility, and thermodynamic stability) has been performed for this missense variant. However, the output from this modeling did not meet the statistical confidence thresholds required to predict the impact of this variant on CRAT protein function. In summary, the available evidence is currently insufficient to determine the role of this variant in disease. Therefore, it has been classified as a Variant of Uncertain Significance.